The following is an entry in ClinVar:

ClinVar aggregate classification (germline): Uncertain significance (1 of 4 stars; one submission).

Allele frequency attached by ClinVar (database versions not stated): gnomAD exomes 0.00001; ExAC 0.00002; TOPMed 0.00002.
gnomAD v4.1: 10 of 1,611,658 alleles (0.00062%); highest among the groups gnomAD compares: Admixed American, 0.0034%; no homozygotes.

Submission:

Labcorp Genetics (formerly Invitae), Labcorp
Classification: Uncertain significance. Last evaluated: 2023-09-23. Review status: criteria provided, single submitter. Criteria: Invitae Variant Classification Sherloc (09022015). Collection method: clinical testing. Allele origin: germline.
Comment: In summary, the available evidence is currently insufficient to determine the role of this variant in disease. Therefore, it has been classified as a Variant of Uncertain Significance. An algorithm developed to predict the effect of missense changes on protein structure and function (PolyPhen-2) suggests that this variant is likely to be disruptive. This variant has not been reported in the literature in individuals affected with AP3D1-related conditions. This variant is present in population databases (rs770460965, gnomAD 0.006%). This sequence change replaces glutamic acid, which is acidic and polar, with lysine, which is basic and polar, at codon 814 of the AP3D1 protein (p.Glu814Lys).

NM_001261826.3(AP3D1):c.2440G>A (p.Glu814Lys)

Gene: AP3D1 (adaptor related protein complex 3 subunit delta 1; minus strand). Cytogenetic location: 19p13.3.
Variant type: single nucleotide variant.
Coding change: c.2440G>A on transcript NM_001261826.3 (MANE Select); coding-DNA position 2440, G replaced by A.
Protein change: p.Glu814Lys; replaces glutamic acid 814 with lysine.
Molecular consequence: missense variant.
Genome position (GRCh38, 1-based): chr19:2,114,286, C>T on the plus strand (G>A on the coding strand, the complement: AP3D1 is on the minus strand). VCF-style: chr19-2114286-C-T. GRCh37 (hg19) VCF-style: chr19-2114285-C-T.
Other names: c.2440G>A, p.Glu814Lys (NM_001374799.1, NM_003938.8); short protein forms E814K.
Identifiers: ClinVar variation 2869032 (VCV002869032.3), dbSNP rs770460965, ClinGen allele CA9058849.